The following is an entry in ClinVar:

ClinVar aggregate classification (germline): Pathogenic (3 of 4 stars; one submission).

Conditions:
Glanzmann thrombasthenia. Also called: BLEEDING DISORDER, PLATELET-TYPE, 2; THROMBASTHENIA OF GLANZMANN AND NAEGELI; PLATELET GLYCOPROTEIN IIb-IIIa DEFICIENCY; Thrombasthenia; Glanzmann's thrombasthenia. Identifiers: Orphanet 849, MedGen C0040015, MONDO:0100326.

Submission:

ClinGen Platelet Disorders Variant Curation Expert Panel, ClinGen
Classification: Pathogenic for Glanzmann thrombasthenia. Last evaluated: 2021-03-05. Review status: reviewed by expert panel. Criteria: ClinGen Platelet ACMG Specifications v2. Collection method: curation. Allele origin: germline. Inheritance: Autosomal recessive inheritance.
Comment: The ITGA2B frameshift variant NM_000419.5:c.1460_1461insAGGT is expected to introduce a premature termination codon 100 amino acids downstream (p.Ser488GlyfsTer100) and the resulting mRNA product is predicted to undergo nonsense mediated decay, leading to loss of normal protein function. This variant has been observed in homozygosity in an individual with a phenotype specific for Glanzmann's thrombasthenia (GT) (Patient E, PMID: 26096001). Furthermore, this variant is absent from population databases. In summary, this variant meets criteria to be classified as pathogenic for GT. GT-specific criteria applied: PVS1, PP4_moderate, PM2_supporting, PM3_supporting.

NM_000419.5(ITGA2B):c.1460_1461insAGGT (p.Ser488fs)

Gene: ITGA2B (integrin subunit alpha 2b; minus strand). Cytogenetic location: 17q21.31.
Variant type: Insertion.
Coding change: c.1460_1461insAGGT on transcript NM_000419.5 (MANE Select); coding-DNA positions 1460 to 1461, AGGT inserted.
Protein change: p.Ser488fs; shifts the reading frame from serine 488.
Molecular consequence: frameshift variant.
Genome position: GRCh38 VCF-style: chr17-44380469-G-GACCT. GRCh37 (hg19) VCF-style: chr17-42457837-G-GACCT.
Other names: short protein forms S488fs.
Identifiers: ClinVar variation 1210197 (VCV001210197.1), dbSNP rs2143461728, ClinGen allele CA915940787.